The following is an entry in ClinVar:

ClinVar aggregate classification (germline): Conflicting classifications of pathogenicity. Review status: criteria provided, conflicting classifications (1 of 4 stars). 6 submissions from 6 submitters: Uncertain significance (4); Likely benign (2). Last evaluated 2026-02-01.

Conditions:
Melnick-Needles syndrome (MNS). Also called: Melnick-Needles Syndrome (FLNA-MNS); MELNICK-NEEDLES OSTEODYSPLASTY; OSTEODYSPLASTY OF MELNICK AND NEEDLES. Identifiers: Orphanet 2484, MedGen C0025237, MONDO:0010650, OMIM 309350.
Heterotopia, periventricular, X-linked dominant (PVNH1). Also called: X-linked periventricular heterotopia; PERIVENTRICULAR NODULAR HETEROTOPIA 4; HETEROTOPIA, PERIVENTRICULAR, 1; PERIVENTRICULAR NODULAR HETEROTOPIA 1. Identifiers: Orphanet 2149, Orphanet 82004, MedGen C1848213, MONDO:0010233, OMIM 300049.
Frontometaphyseal dysplasia (FMD1). Identifiers: Orphanet 1826, MedGen C0265293, MONDO:0015942.
Oto-palato-digital syndrome, type II (OPD2). Also called: Otopalatodigital Syndrome Type 2 (FLNA-OPD2); FACIOPALATOOSSEOUS SYNDROME; Otopalatodigital Syndrome, Type II; OPD II SYNDROME. Identifiers: Orphanet 669, Orphanet 90652, MedGen C1844696, MONDO:0010571, OMIM 304120.
Familial thoracic aortic aneurysm and aortic dissection (TAAD). Also called: Thoracic aortic aneurysms and dissections. Identifiers: Orphanet 91387, MedGen C4707243, MONDO:0019625.

Allele frequency attached by ClinVar (database versions not stated): gnomAD exomes 0.00001; gnomAD 0.00002; TOPMed 0.00004.

Submissions (6):

Labcorp Genetics (formerly Invitae), Labcorp
Classification: Likely benign for Oto-palato-digital syndrome, type II; Heterotopia, periventricular, X-linked dominant; Frontometaphyseal dysplasia; Melnick-Needles syndrome. Last evaluated: 2026-02-01. Review status: criteria provided, single submitter. Criteria: Invitae Variant Classification Sherloc (09022015). Collection method: clinical testing. Allele origin: germline.

Ambry Genetics
Classification: Uncertain significance for Familial thoracic aortic aneurysm and aortic dissection. Last evaluated: 2024-12-12. Review status: criteria provided, single submitter. Criteria: Ambry Variant Classification Scheme 2023. Collection method: clinical testing. Allele origin: germline.
Comment: The p.A334T variant (also known as c.1000G>A), located in coding exon 6 of the FLNA gene, results from a G to A substitution at nucleotide position 1000. The alanine at codon 334 is replaced by threonine, an amino acid with similar properties. Based on data from gnomAD, the A allele has an overall frequency of 0.0006% (1/181396) total alleles studied, with 0 hemizygote(s) observed. The highest observed frequency was 0.0012% (1/81219) of European (non-Finnish) alleles. This amino acid position is well conserved in available vertebrate species. In addition, the in silico prediction for this alteration is inconclusive. Based on the available evidence, the clinical significance of this variant remains unclear.

GeneDx
Classification: Likely benign. Last evaluated: 2020-08-26. Review status: criteria provided, single submitter. Criteria: GeneDx Variant Classification Process June 2021. Collection method: clinical testing. Allele origin: germline. Affected: yes.
Comment: Has not been previously published as pathogenic or benign to our knowledge; Not observed at a significant frequency in large population cohorts (Lek et al., 2016); In silico analysis supports that this missense variant does not alter protein structure/function

CeGaT Center for Human Genetics Tuebingen
Classification: Uncertain significance. Last evaluated: 2018-07-01. Review status: criteria provided, single submitter. Criteria: CeGaT Center For Human Genetics Tuebingen Variant Classification Criteria Version 2. Collection method: clinical testing. Allele origin: germline. Affected: yes. Observed: 1 variant allele.

Eurofins Ntd Llc (ga)
Classification: Uncertain significance. Last evaluated: 2016-03-28. Review status: criteria provided, single submitter. Criteria: EGL Classification Definitions 2015. Collection method: clinical testing. Allele origin: germline. Observed: 1 variant allele, 1 heterozygote.

Genetic Services Laboratory, University of Chicago
Classification: Uncertain significance. Last evaluated: 2015-10-20. Review status: criteria provided, single submitter. Criteria: ACMG Guidelines, 2015. Collection method: clinical testing. Allele origin: germline. Affected: no.

NM_001110556.2(FLNA):c.1000G>A (p.Ala334Thr)

Gene: FLNA (filamin A; minus strand). Cytogenetic location: Xq28.
Variant type: single nucleotide variant.
Coding change: c.1000G>A on transcript NM_001110556.2 (MANE Select); coding-DNA position 1000, G replaced by A.
Protein change: p.Ala334Thr; replaces alanine 334 with threonine.
Molecular consequence: missense variant.
Genome position (GRCh38, 1-based): chrX:154,366,627, C>T on the plus strand (G>A on the coding strand, the complement: FLNA is on the minus strand). VCF-style: chrX-154366627-C-T. GRCh37 (hg19) VCF-style: chrX-153594995-C-T.
Other names: c.1000G>A, p.Ala334Thr (NM_001456.4); short protein forms A334T.
Identifiers: ClinVar variation 286847 (VCV000286847.64), dbSNP rs886044859, ClinGen allele CA10605588.